The following is an entry in ClinVar:

ClinVar aggregate classification (germline): Uncertain significance (1 of 4 stars; one submission).

Conditions:
Deficiency of alpha-mannosidase (MANSA). Also called: Mannosidosis, alpha-, types I and II; Alpha-Mannosidosis; LYSOSOMAL ALPHA-D-MANNOSIDASE DEFICIENCY. Identifiers: Orphanet 61, MedGen C0024748, MONDO:0009561, OMIM 248500.

Submission:

Labcorp Genetics (formerly Invitae), Labcorp
Classification: Uncertain significance for Deficiency of alpha-mannosidase. Last evaluated: 2022-04-27. Review status: criteria provided, single submitter. Criteria: Invitae Variant Classification Sherloc (09022015). Collection method: clinical testing. Allele origin: germline.
Comment: This sequence change replaces arginine, which is basic and polar, with histidine, which is basic and polar, at codon 893 of the MAN2B1 protein (p.Arg893His). This variant is present in population databases (no rsID available, gnomAD 0.003%). This variant has not been reported in the literature in individuals affected with MAN2B1-related conditions. Algorithms developed to predict the effect of missense changes on protein structure and function output the following: SIFT: "Deleterious"; PolyPhen-2: "Benign"; Align-GVGD: "Class C0". The histidine amino acid residue is found in multiple mammalian species, which suggests that this missense change does not adversely affect protein function. In summary, the available evidence is currently insufficient to determine the role of this variant in disease. Therefore, it has been classified as a Variant of Uncertain Significance.

NM_000528.4(MAN2B1):c.2678G>A (p.Arg893His)

Genes: MAN2B1 (mannosidase alpha class 2B member 1; minus strand), LOC130063648 (ATAC-STARR-seq lymphoblastoid active region 14063; plus strand). Cytogenetic location: 19p13.13.
Variant type: single nucleotide variant.
Coding change: c.2678G>A on transcript NM_000528.4 (MANE Select); coding-DNA position 2678, G replaced by A.
Protein change: p.Arg893His; replaces arginine 893 with histidine.
Molecular consequence: missense variant.
Genome position (GRCh38, 1-based): chr19:12,647,585, C>T on the plus strand (G>A on the coding strand, the complement: MAN2B1 is on the minus strand). VCF-style: chr19-12647585-C-T. GRCh37 (hg19) VCF-style: chr19-12758399-C-T.
Other names: c.2675G>A, p.Arg892His (NM_001173498.2); short protein forms R892H, R893H.
Identifiers: ClinVar variation 1915843 (VCV001915843.2), dbSNP rs1196853128, ClinGen allele CA404238212.